The following is an entry in ClinVar:

NM_006514.4(SCN10A):c.3885C>G (p.Phe1295Leu)

Gene: SCN10A (sodium voltage-gated channel alpha subunit 10; minus strand). Cytogenetic location: 3p22.2.
Variant type: single nucleotide variant.
Coding change: c.3885C>G on transcript NM_006514.4 (MANE Select); coding-DNA position 3885, C replaced by G.
Protein change: p.Phe1295Leu; replaces phenylalanine 1295 with leucine.
Molecular consequence: missense variant.
Genome position (GRCh38, 1-based): chr3:38,712,365, G>C on the plus strand (C>G on the coding strand, the complement: SCN10A is on the minus strand). VCF-style: chr3-38712365-G-C. GRCh37 (hg19) VCF-style: chr3-38753856-G-C.
Other names: c.3882C>G, p.Phe1294Leu (NM_001293306.2); c.3591C>G, p.Phe1197Leu (NM_001293307.2); short protein forms F1197L, F1294L, F1295L.
Identifiers: ClinVar variation 3438097 (VCV003438097.1).
Genomic context (GRCh38, chr3:38,712,365, plus strand): 5'-ATCGGTATAGTTGATGCACCTCCAAAACTTCCCTGCGAAGAGGTTCACACCCATGATGCT[G>C]AAGATGAGCCAGAAGATGAGGCAGACGAGGAGGACATTCATGATGGATGGGATGGCGCCC-3'
Protein context (NP_006505.4, residues 1285-1305): LLVCLIFWLI[Phe1295Leu]SIMGVNLFAG

ClinVar aggregate classification (germline): Uncertain significance (1 of 4 stars; one submission).

Conditions:
Cardiovascular phenotype. Identifiers: MedGen CN230736.

Submission:

Ambry Genetics
Classification: Uncertain significance for Cardiovascular phenotype. Last evaluated: 2024-08-01. Review status: criteria provided, single submitter. Criteria: Ambry Variant Classification Scheme 2023. Collection method: clinical testing. Allele origin: germline.
Comment: The p.F1295L variant (also known as c.3885C>G), located in coding exon 22 of the SCN10A gene, results from a C to G substitution at nucleotide position 3885. The phenylalanine at codon 1295 is replaced by leucine, an amino acid with highly similar properties. This amino acid position is highly conserved in available vertebrate species. In addition, this alteration is predicted to be deleterious by in silico analysis. The evidence for this gene-disease relationship is limited; therefore, the clinical significance of this alteration is unclear.